The following is an entry in ClinVar:

ClinVar aggregate classification (germline): Uncertain significance. Review status: criteria provided, multiple submitters, no conflicts (2 of 4 stars). 3 submissions from 3 submitters: Uncertain significance (3). Last evaluated 2026-07-13.

Conditions:
Hereditary cancer-predisposing syndrome. Also called: Hereditary neoplastic syndrome; Neoplastic Syndromes, Hereditary; Tumor predisposition; Hereditary Cancer Syndrome. Identifiers: Orphanet 140162, MedGen C0027672, MeSH D009386, MONDO:0015356.
Parathyroid carcinoma (PRTC). Also called: Parathyroid gland carcinoma; CDC73-Related Parathyroid Carcinoma. Identifiers: Orphanet 143, MedGen C0687150, MONDO:0012004, OMIM 608266, HP:0006780.
Hyperparathyroidism 1 (HRPT1). Also called: HYPERPARATHYROIDISM, FAMILIAL ISOLATED PRIMARY. Identifiers: Orphanet 99879, MedGen C1840402, MONDO:0007767, OMIM 145000.

Submissions (3):

Ambry Genetics
Classification: Uncertain significance for Hereditary cancer-predisposing syndrome. Last evaluated: 2026-07-13. Review status: criteria provided, single submitter. Criteria: Ambry Variant Classification Scheme 2023. Collection method: clinical testing. Allele origin: germline.
Comment: The p.V496I variant (also known as c.1486G>A), located in coding exon 16 of the CDC73 gene, results from a G to A substitution at nucleotide position 1486. The valine at codon 496 is replaced by isoleucine, an amino acid with highly similar properties. This amino acid position is conserved. In addition, this alteration is predicted to be tolerated by in silico analysis. Based on the available evidence, the clinical significance of this variant remains unclear.

Baylor Genetics
Classification: Uncertain significance for Hyperparathyroidism 1. Last evaluated: 2023-10-17. Review status: criteria provided, single submitter. Criteria: ACMG Guidelines, 2015. Collection method: clinical testing. Allele origin: unknown.

Labcorp Genetics (formerly Invitae), Labcorp
Classification: Uncertain significance for Parathyroid carcinoma. Last evaluated: 2022-09-26. Review status: criteria provided, single submitter. Criteria: Invitae Variant Classification Sherloc (09022015). Collection method: clinical testing. Allele origin: germline.
Comment: This sequence change replaces valine, which is neutral and non-polar, with isoleucine, which is neutral and non-polar, at codon 496 of the CDC73 protein (p.Val496Ile). This variant is not present in population databases (gnomAD no frequency). This variant has not been reported in the literature in individuals affected with CDC73-related conditions. Advanced modeling of protein sequence and biophysical properties (such as structural, functional, and spatial information, amino acid conservation, physicochemical variation, residue mobility, and thermodynamic stability) performed at Invitae indicates that this missense variant is not expected to disrupt CDC73 protein function. In summary, the available evidence is currently insufficient to determine the role of this variant in disease. Therefore, it has been classified as a Variant of Uncertain Significance.

NM_024529.5(CDC73):c.1486G>A (p.Val496Ile)

Gene: CDC73 (cell division cycle 73; plus strand). Cytogenetic location: 1q31.2.
Variant type: single nucleotide variant.
Coding change: c.1486G>A on transcript NM_024529.5 (MANE Select); coding-DNA position 1486, G replaced by A.
Protein change: p.Val496Ile; replaces valine 496 with isoleucine.
Molecular consequence: missense variant.
Genome position (GRCh38, 1-based): chr1:193,249,798, G>A. VCF-style: chr1-193249798-G-A. GRCh37 (hg19) VCF-style: chr1-193218928-G-A.
Other names: short protein forms V496I.
Identifiers: ClinVar variation 1912898 (VCV001912898.7), dbSNP rs2102073432, ClinGen allele CA344078489.